The following is an entry in ClinVar:

ClinVar aggregate classification (germline): Uncertain significance (1 of 4 stars; one submission).

Conditions:
Polycystic kidney disease, adult type (PKD1). Also called: Polycystic Kidney Disease 1, Autosomal Dominant; Polycystic kidney disease 1; Polycystic kidney disease 1, severe; POLYCYSTIC KIDNEY DISEASE, ADULT, TYPE I; Polycystic Kidney, Autosomal Dominant; POLYCYSTIC KIDNEY DISEASE 1 WITH OR WITHOUT POLYCYSTIC LIVER DISEASE. Identifiers: MedGen C3149841, MONDO:0008263, OMIM 173900.

Submission:

Victorian Clinical Genetics Services, Murdoch Childrens Research Institute
Classification: Uncertain significance for Polycystic kidney disease, adult type. Last evaluated: 2024-09-19. Review status: criteria provided, single submitter. Criteria: ACMG Guidelines, 2015. Collection method: clinical testing. Allele origin: germline. Inheritance: Autosomal dominant inheritance. Affected: yes.
Comment: Based on the classification scheme VCGS_Germline_v1.3.4, this variant is classified as VUS-3C. Following criteria are met: 0102 - Loss of function is a known mechanism of disease in this gene and is associated with polycystic kidney disease 1 (MIM#173900). (I) 0107 - This gene is associated with autosomal dominant disease. Polycystic kidney disease 1 (MIM#173900) is predominantly caused by monoallelic variants, with rare reports of biallelic variants causing disease (OMIM). (I) 0212 - Non-canonical splice site variant without proven consequence on splicing (no functional evidence available). (SP) 0251 - This variant is heterozygous. (I) 0301 - Variant is absent from gnomAD (both v2 and v3). (SP) 0506 - Abnormal splicing is not predicted and nucleotide is poorly conserved. (SB) 0705 - No comparable non-canonical splice variants have previous evidence for pathogenicity. (I) 0807 - This variant has no previous evidence of pathogenicity. (I) 0905 - No published segregation evidence has been identified for this variant. (I) 1007 - No published functional evidence has been identified for this variant. (I) 1208 - Inheritance information for this variant is not currently available in this individual. (I) Legend: (SP) - Supporting pathogenic, (I) - Information, (SB) - Supporting benign

NM_001009944.3(PKD1):c.11713-29_11713-8del

Gene: PKD1 (polycystin 1, transient receptor potential channel interacting; minus strand). Cytogenetic location: 16p13.3.
Variant type: Deletion.
Coding change: c.11713-29_11713-8del on transcript NM_001009944.3 (MANE Select); 29 bases into the intron before coding-DNA position 11713 through 8 bases into the intron before coding-DNA position 11713, 22 bases deleted (TCCCGCCCTCCTGACCGCGCCC).
Molecular consequence: intron variant.
Genome position (GRCh38, 1-based): chr16:2,091,182-2,091,203, GGGCGCGGTCAGGAGGGCGGGA deleted on the plus strand (TCCCGCCCTCCTGACCGCGCCC on the coding strand, the reverse complement: PKD1 is on the minus strand); deleting any 22 consecutive bases within chr16:2,091,182-2,091,206 gives the same sequence; the c. name uses the placement nearest the transcript's 3' end. VCF-style (leftmost placement, unchanged base first): chr16-2091181-GGGGCGCGGTCAGGAGGGCGGGA-G. GRCh37 (hg19) VCF-style: chr16-2141182-GGGGCGCGGTCAGGAGGGCGGGA-G.
Other names: c.11710-29_11710-8del (NM_000296.4).
Identifiers: ClinVar variation 3255033 (VCV003255033.2), dbSNP rs2544601088.
Genomic context (GRCh38, chr16:2,091,181, plus strand): 5'-CCAAGTACGGGCCTCGGCCACGGCGAAGTGCACGGCGAACAGCAGCAGGCACACCTGTGG[GGGGCGCGGTCAGGAGGGCGGGA>G]GGGACGCTGCCGGGGCGGGGCCCTGCGAGGGGGCGGGACGCTGCCGGGGCGGGGCCCTAC-3'